The following is an entry in ClinVar:

ClinVar aggregate classification (germline): Uncertain significance (1 of 4 stars; one submission).

Submission:

ISCA site 15
Classification: Uncertain significance. Last evaluated: 2011-08-12. Review status: criteria provided, single submitter. Criteria: Kaminsky et al. (Genet Med. 2011). Collection method: clinical testing. Allele origin: unknown. Affected: yes. Observed: 1 variant allele.
Comment: Copy number variation identified through the course of routine clinical cytogenomic testing in postnatal populations. Clinical assertions have been curated as described in Kaminsky et al. 2011.

GRCh38/hg38 10p15.3(chr10:180143-550594)x3

Genes: DIP2C (disco interacting protein 2 homolog C; minus strand), ZMYND11 (zinc finger MYND-type containing 11; plus strand), LOC106783507 (nonconserved acetylation island sequence 51 enhancer; plus strand), LOC126860802 (BRD4-independent group 4 enhancer GRCh37_chr10:294268-295467; plus strand), LOC126860803 (CDK7 strongly-dependent group 2 enhancer GRCh37_chr10:310208-311407; plus strand) and 6 more. Cytogenetic location: 10p15.3.
Variant type: copy number gain.
Change: copy number 3 (three copies instead of two) of chr10:180,143-550,594 (370.5 kb, GRCh38 coordinates, 1-based), cytogenetic band 10p15.3.
Identifiers: ClinVar variation 57851 (VCV000057851.1).